The following is an entry in ClinVar:

NM_004415.4(DSP):c.7650C>G (p.Gly2550=)

Gene: DSP (desmoplakin; plus strand). Cytogenetic location: 6p24.3.
Variant type: single nucleotide variant.
Coding change: c.7650C>G on transcript NM_004415.4 (MANE Select); coding-DNA position 7650, C replaced by G.
Protein change: p.Gly2550=; no amino-acid change (glycine 2550 retained).
Molecular consequence: synonymous variant.
Genome position (GRCh38, 1-based): chr6:7,584,912, C>G. VCF-style: chr6-7584912-C-G. GRCh37 (hg19) VCF-style: chr6-7585145-C-G.
Other names: c.5853C>G, p.Gly1951= (NM_001008844.3); c.6321C>G, p.Gly2107= (NM_001319034.2).
Identifiers: ClinVar variation 1759984 (VCV001759984.6), dbSNP rs780277298, ClinGen allele CA448716972.

ClinVar aggregate classification (germline): Likely benign. Review status: criteria provided, multiple submitters, no conflicts (2 of 4 stars). 3 submissions from 3 submitters: Likely benign (3). Last evaluated 2024-02-27.

Conditions:
Arrhythmogenic cardiomyopathy with wooly hair and keratoderma. Also called: PALMOPLANTAR KERATODERMA WITH LEFT VENTRICULAR CARDIOMYOPATHY AND WOOLLY HAIR; Carvajal syndrome; Dilated cardiomyopathy with woolly hair and keratoderma; Arrhythmogenic cardiomyopathy with woolly hair and keratoderma. Identifiers: Orphanet 65282, MedGen C1854063, MONDO:0011581, OMIM 605676.
Arrhythmogenic right ventricular dysplasia 8 (ARVD8). Also called: Arrhythmogenic Right Ventricular Dysplasia/Cardiomyopathy 8; ARRHYTHMOGENIC RIGHT VENTRICULAR DYSPLASIA, FAMILIAL, 8; ARRHYTHMOGENIC RIGHT VENTRICULAR CARDIOMYOPATHY 8. Identifiers: MedGen C1843896, MONDO:0011831, OMIM 607450.
Cardiovascular phenotype. Identifiers: MedGen CN230736.

Submissions (3):

Labcorp Genetics (formerly Invitae), Labcorp
Classification: Likely benign for Arrhythmogenic cardiomyopathy with wooly hair and keratoderma; Arrhythmogenic right ventricular dysplasia 8. Last evaluated: 2024-02-27. Review status: criteria provided, single submitter. Criteria: Invitae Variant Classification Sherloc (09022015). Collection method: clinical testing. Allele origin: germline.

All of Us Research Program, National Institutes of Health
Classification: Likely benign for Arrhythmogenic cardiomyopathy with wooly hair and keratoderma. Last evaluated: 2023-04-03. Review status: criteria provided, single submitter. Criteria: ACMG Guidelines, 2015. Collection method: clinical testing. Allele origin: germline. Inheritance: Autosomal dominant inheritance. Observed: 2 variant alleles, 2 heterozygotes.
Comment: This study involves interpretation of variants in research participants for the purpose of population health screening. Participant phenotype was not available at the time of variant classification. Additional details can be found in publication PMID: 35346344, PMCID: PMC8962531

Ambry Genetics
Classification: Likely benign for Cardiovascular phenotype. Last evaluated: 2022-07-14. Review status: criteria provided, single submitter. Criteria: Ambry Variant Classification Scheme 2023. Collection method: clinical testing. Allele origin: germline.